The following is an entry in ClinVar:

ClinVar aggregate classification (germline): Uncertain significance. Review status: criteria provided, multiple submitters, no conflicts (2 of 4 stars). 2 submissions from 2 submitters: Uncertain significance (2). Last evaluated 2026-09-22.

Conditions:
CACNA1F-related disorder. Also called: CACNA1F-related condition.

Allele frequency attached by ClinVar (database versions not stated): ExAC 0.00001; gnomAD 0.00001; gnomAD exomes 0.00001.
gnomAD v4.1: 13 of 1,205,831 alleles (0.0011%); highest among the groups gnomAD compares: Non-Finnish European, 0.0015%; no homozygotes.

Submissions (2):

PreventionGenetics, part of Exact Sciences
Classification: Uncertain significance for CACNA1F-related condition. Last evaluated: 2026-09-22. Review status: criteria provided, single submitter. Criteria: ACMG Guidelines, 2015. Collection method: clinical testing. Allele origin: germline.
Comment: The CACNA1F c.1759G>A variant is predicted to result in the amino acid substitution p.Ala587Thr. To our knowledge, this variant has not been reported in the literature. This variant is reported in 0.0022% of alleles in individuals of European (Non-Finnish) descent in gnomAD. At this time, the clinical significance of this variant is uncertain due to the absence of conclusive functional and genetic evidence.

Labcorp Genetics (formerly Invitae), Labcorp
Classification: Uncertain significance. Last evaluated: 2025-10-06. Review status: criteria provided, single submitter. Criteria: Invitae Variant Classification Sherloc (09022015). Collection method: clinical testing. Allele origin: germline.
Comment: This sequence change replaces alanine, which is neutral and non-polar, with threonine, which is neutral and polar, at codon 587 of the CACNA1F protein (p.Ala587Thr). The frequency data for this variant in the population databases is considered unreliable, as metrics indicate poor data quality at this position in the gnomAD database. This variant has not been reported in the literature in individuals affected with CACNA1F-related conditions. ClinVar contains an entry for this variant (Variation ID: 941420). Invitae Evidence Modeling of protein sequence and biophysical properties (such as structural, functional, and spatial information, amino acid conservation, physicochemical variation, residue mobility, and thermodynamic stability) indicates that this missense variant is not expected to disrupt CACNA1F protein function with a negative predictive value of 80%. In summary, the available evidence is currently insufficient to determine the role of this variant in disease. Therefore, it has been classified as a Variant of Uncertain Significance.

NM_001256789.3(CACNA1F):c.1726G>A (p.Ala576Thr)

Gene: CACNA1F (calcium voltage-gated channel subunit alpha1 F; minus strand). Cytogenetic location: Xp11.23.
Variant type: single nucleotide variant.
Coding change: c.1726G>A on transcript NM_001256789.3 (MANE Select); coding-DNA position 1726, G replaced by A.
Protein change: p.Ala576Thr; replaces alanine 576 with threonine.
Molecular consequence: missense variant.
Genome position (GRCh38, 1-based): chrX:49,224,912, C>T on the plus strand (G>A on the coding strand, the complement: CACNA1F is on the minus strand). VCF-style: chrX-49224912-C-T. GRCh37 (hg19) VCF-style: chrX-49081374-C-T.
Other names: c.1564G>A, p.Ala522Thr (NM_001256790.3); c.1759G>A, p.Ala587Thr (NM_005183.4); short protein forms A522T, A576T, A587T.
Identifiers: ClinVar variation 941420 (VCV000941420.8), dbSNP rs782110948, ClinGen allele CA10410799.